The following is an entry in ClinVar:

ClinVar aggregate classification (germline): Conflicting classifications of pathogenicity. Review status: criteria provided, conflicting classifications (1 of 4 stars). 4 submissions from 4 submitters: Uncertain significance (1); Likely benign (2). 1 of the submissions does not count toward it. Last evaluated 2026-03-01.

Conditions:
KMT2E-related disorder. Also called: KMT2E-related condition.
Inborn genetic diseases. Identifiers: MedGen C0950123, MeSH D030342.

Allele frequency attached by ClinVar (database versions not stated): TOPMed 0.00005; ExAC 0.00007; gnomAD 0.00007; gnomAD exomes 0.00014; ESP Exome Variant Server 0.00023.
gnomAD v4.1: 210 of 1,613,926 alleles (0.013%); highest among the groups gnomAD compares: Non-Finnish European, 0.017%; no homozygotes.

Submissions (4):

CeGaT Center for Human Genetics Tuebingen
Classification: Likely benign. Last evaluated: 2026-03-01. Review status: criteria provided, single submitter. Criteria: CeGaT Center For Human Genetics Tuebingen Variant Classification Criteria Version 2. Collection method: clinical testing. Allele origin: germline. Affected: yes. Observed: 1 variant allele.
Comment: KMT2E: BP4

Labcorp Genetics (formerly Invitae), Labcorp
Classification: Uncertain significance. Last evaluated: 2025-06-17. Review status: criteria provided, single submitter. Criteria: Invitae Variant Classification Sherloc (09022015). Collection method: clinical testing. Allele origin: germline.
Comment: This sequence change replaces threonine, which is neutral and polar, with serine, which is neutral and polar, at codon 901 of the KMT2E protein (p.Thr901Ser). This variant is present in population databases (rs200234811, gnomAD 0.01%). This variant has not been reported in the literature in individuals affected with KMT2E-related conditions. ClinVar contains an entry for this variant (Variation ID: 2080940). Invitae Evidence Modeling of protein sequence and biophysical properties (such as structural, functional, and spatial information, amino acid conservation, physicochemical variation, residue mobility, and thermodynamic stability) indicates that this missense variant is not expected to disrupt KMT2E protein function with a negative predictive value of 80%. In summary, the available evidence is currently insufficient to determine the role of this variant in disease. Therefore, it has been classified as a Variant of Uncertain Significance.

Ambry Genetics
Classification: Likely benign for Inborn genetic diseases. Last evaluated: 2021-06-21. Review status: criteria provided, single submitter. Criteria: Ambry Variant Classification Scheme 2023. Collection method: clinical testing. Allele origin: germline.

PreventionGenetics, part of Exact Sciences
Classification: Likely benign for KMT2E-related condition. Last evaluated: 2024-08-14. Review status: no assertion criteria provided. Collection method: clinical testing. Allele origin: germline. Not counted in ClinVar's aggregate classification.
Comment: This variant is classified as likely benign based on ACMG/AMP sequence variant interpretation guidelines (Richards et al. 2015 PMID: 25741868, with internal and published modifications).

NM_182931.3(KMT2E):c.2701A>T (p.Thr901Ser)

Gene: KMT2E (lysine methyltransferase 2E (inactive); plus strand). Cytogenetic location: 7q22.3.
Variant type: single nucleotide variant.
Coding change: c.2701A>T on transcript NM_182931.3 (MANE Select); coding-DNA position 2701, A replaced by T.
Protein change: p.Thr901Ser; replaces threonine 901 with serine.
Molecular consequence: missense variant.
Genome position (GRCh38, 1-based): chr7:105,106,626, A>T. VCF-style: chr7-105106626-A-T. GRCh37 (hg19) VCF-style: chr7-104747073-A-T.
Other names: c.2701A>T, p.Thr901Ser (NM_001410908.1, NM_018682.4); short protein forms T901S.
Identifiers: ClinVar variation 2080940 (VCV002080940.11), dbSNP rs200234811, ClinGen allele CA4424288.
Genomic context (GRCh38, chr7:105,106,626, plus strand): 5'-GATTCGGTTTACTCAGAAACCTCCACACCTACTCCTTCCCCGTATGCTACACCAACTCAC[A>T]CCGATATTACTCCTATGGACCCATCTTTTGCCACGCCTCCACGGATAAAATCAGATGATG-3'
Protein context (NP_891847.1, residues 891-911): TPSPYATPTH[Thr901Ser]DITPMDPSFA